The following is an entry in ClinVar:

ClinVar aggregate classification (germline): Uncertain significance (1 of 4 stars; one submission).

Allele frequency attached by ClinVar (database versions not stated): ExAC 0.00001; gnomAD 0.00001; gnomAD exomes 0.00001 and 0.00004; TOPMed 0.00002; ESP Exome Variant Server 0.00008.
gnomAD v4.1: 57 of 1,613,772 alleles (0.0035%); highest among the groups gnomAD compares: Middle Eastern, 0.033%; no homozygotes.

Submissions (2):

Labcorp Genetics (formerly Invitae), Labcorp
Classification: Uncertain significance. Last evaluated: 2021-09-24. Review status: criteria provided, single submitter. Criteria: Invitae Variant Classification Sherloc (09022015). Collection method: clinical testing. Allele origin: germline.
Comment: This sequence change replaces arginine with cysteine at codon 469 of the MCM3AP protein (p.Arg469Cys). The arginine residue is moderately conserved and there is a large physicochemical difference between arginine and cysteine. This variant is present in population databases (rs148752994, ExAC 0.006%). This variant has not been reported in the literature in individuals with MCM3AP-related conditions. Algorithms developed to predict the effect of missense changes on protein structure and function are either unavailable or do not agree on the potential impact of this missense change (SIFT: "Deleterious"; PolyPhen-2: "Probably Damaging"; Align-GVGD: "Class C0"). Algorithms developed to predict the effect of sequence changes on RNA splicing suggest that this variant may create or strengthen a splice site, but this prediction has not been confirmed by published transcriptional studies. In summary, the available evidence is currently insufficient to determine the role of this variant in disease. Therefore, it has been classified as a Variant of Uncertain Significance.

Dr. Peter K. Rogan Lab, Western University
No classification provided (evidence only). Condition: Gastric cancer. Review status: no classification provided. Collection method: in vitro. Allele origin: not applicable. Functional consequence: retained intron. Not counted in ClinVar's aggregate classification.

NM_003906.5(MCM3AP):c.1405C>T (p.Arg469Cys)

Gene: MCM3AP (minichromosome maintenance complex component 3 associated protein; minus strand). Cytogenetic location: 21q22.3.
Variant type: single nucleotide variant.
Coding change: c.1405C>T on transcript NM_003906.5 (MANE Select); coding-DNA position 1405, C replaced by T.
Protein change: p.Arg469Cys; replaces arginine 469 with cysteine.
Molecular consequence: missense variant.
Genome position (GRCh38, 1-based): chr21:46,283,653, G>A on the plus strand (C>T on the coding strand, the complement: MCM3AP is on the minus strand). VCF-style: chr21-46283653-G-A. GRCh37 (hg19) VCF-style: chr21-47703567-G-A.
Other names: short protein forms R469C.
Identifiers: ClinVar variation 1435125 (VCV001435125.6), dbSNP rs148752994, ClinGen allele CA10077104.